The following is an entry in ClinVar:

ClinVar aggregate classification (germline): Uncertain significance. Review status: criteria provided, multiple submitters, no conflicts (2 of 4 stars). 3 submissions from 3 submitters: Uncertain significance (3). Last evaluated 2025-06-10.

Conditions:
Inborn genetic diseases. Identifiers: MedGen C0950123, MeSH D030342.

Allele frequency attached by ClinVar (database versions not stated): ExAC 0.00002; TOPMed 0.00002; gnomAD 0.00003; gnomAD exomes 0.00004 and 0.00007.
gnomAD v4.1: 110 of 1,611,438 alleles (0.0068%); highest among the groups gnomAD compares: Non-Finnish European, 0.0089%; no homozygotes.

Submissions (3):

Ambry Genetics
Classification: Uncertain significance for Inborn genetic diseases. Last evaluated: 2025-06-10. Review status: criteria provided, single submitter. Criteria: Ambry Variant Classification Scheme 2023. Collection method: clinical testing. Allele origin: germline.

Labcorp Genetics (formerly Invitae), Labcorp
Classification: Uncertain significance. Last evaluated: 2022-10-13. Review status: criteria provided, single submitter. Criteria: Invitae Variant Classification Sherloc (09022015). Collection method: clinical testing. Allele origin: germline.
Comment: Algorithms developed to predict the effect of missense changes on protein structure and function are either unavailable or do not agree on the potential impact of this missense change (SIFT: "Deleterious"; PolyPhen-2: "Benign"; Align-GVGD: "Class C0"). In summary, the available evidence is currently insufficient to determine the role of this variant in disease. Therefore, it has been classified as a Variant of Uncertain Significance. ClinVar contains an entry for this variant (Variation ID: 935582). This sequence change replaces methionine, which is neutral and non-polar, with valine, which is neutral and non-polar, at codon 859 of the RBP3 protein (p.Met859Val). This variant is present in population databases (rs577807789, gnomAD 0.008%). This variant has not been reported in the literature in individuals affected with RBP3-related conditions.

Blueprint Genetics
Classification: Uncertain significance. Last evaluated: 2021-08-26. Review status: criteria provided, single submitter. Criteria: ACMG Guidelines, 2015. Collection method: clinical testing. Allele origin: germline.

NM_002900.3(RBP3):c.2575A>G (p.Met859Val)

Gene: RBP3 (retinol binding protein 3; plus strand). Cytogenetic location: 10q11.22.
Variant type: single nucleotide variant.
Coding change: c.2575A>G on transcript NM_002900.3 (MANE Select); coding-DNA position 2575, A replaced by G.
Protein change: p.Met859Val; replaces methionine 859 with valine.
Molecular consequence: missense variant.
Genome position (GRCh38, 1-based): chr10:47,351,059, A>G. VCF-style: chr10-47351059-A-G. GRCh37 (hg19) VCF-style: chr10-48388303-T-C.
Other names: short protein forms M859V.
Identifiers: ClinVar variation 935582 (VCV000935582.9), dbSNP rs577807789, ClinGen allele CA5487249.